The following is an entry in ClinVar:

NM_000256.3(MYBPC3):c.1953C>T (p.Cys651=)

Gene: MYBPC3 (myosin binding protein C3; minus strand). Cytogenetic location: 11p11.2.
Variant type: single nucleotide variant.
Coding change: c.1953C>T on transcript NM_000256.3 (MANE Select); coding-DNA position 1953, C replaced by T.
Protein change: p.Cys651=; no amino-acid change (cysteine 651 retained).
Molecular consequence: synonymous variant.
Genome position (GRCh38, 1-based): chr11:47,339,765, G>A on the plus strand (C>T on the coding strand, the complement: MYBPC3 is on the minus strand). VCF-style: chr11-47339765-G-A. GRCh37 (hg19) VCF-style: chr11-47361316-G-A.
Other names: c.1953C>T, p.Cys651= (LRG_386t1).
Identifiers: ClinVar variation 454307 (VCV000454307.16), dbSNP rs936188645, ClinGen allele CA221691286.

ClinVar aggregate classification (germline): Likely benign. Review status: criteria provided, multiple submitters, no conflicts (2 of 4 stars). 5 submissions from 5 submitters: Likely benign (5). Last evaluated 2025-10-23.

Conditions:
MYBPC3-related disorder. Also called: MYBPC3-related disorders; MYBPC3-related condition; MYBPC3-related disease.
Cardiovascular phenotype. Identifiers: MedGen CN230736.
Cardiomyopathy (CMYO). Also called: Cardiomyopathies. Identifiers: Orphanet 167848, MedGen C0878544, MONDO:0004994, HP:0001638. Inheritance: Various modes of inheritance.
Hypertrophic cardiomyopathy. Also called: HYPERTROPHIC MYOCARDIOPATHY. Identifiers: Orphanet 217569, MedGen C0007194, MeSH D002312, MONDO:0005045, HP:0001639.

Allele frequency attached by ClinVar (database versions not stated): gnomAD exomes 0.00001 and 0.00002; gnomAD 0.00005; TOPMed 0.00013.
gnomAD v4.1: 20 of 1,613,778 alleles (0.0012%); highest among the groups gnomAD compares: Admixed American, 0.023%; no homozygotes.

Submissions (5):

Labcorp Genetics (formerly Invitae), Labcorp
Classification: Likely benign for Hypertrophic cardiomyopathy. Last evaluated: 2025-10-23. Review status: criteria provided, single submitter. Criteria: Invitae Variant Classification Sherloc (09022015). Collection method: clinical testing. Allele origin: germline.

PreventionGenetics, part of Exact Sciences
Classification: Likely benign for MYBPC3-related condition. Last evaluated: 2025-09-29. Review status: criteria provided, single submitter. Criteria: ACMG Guidelines, 2015. Collection method: clinical testing. Allele origin: germline.
Comment: This variant is classified as likely benign based on ACMG/AMP sequence variant interpretation guidelines (Richards et al. 2015 PMID: 25741868, with internal and published modifications).

Ambry Genetics
Classification: Likely benign for Cardiovascular phenotype. Last evaluated: 2024-04-13. Review status: criteria provided, single submitter. Criteria: Ambry Variant Classification Scheme 2023. Collection method: clinical testing. Allele origin: germline.

All of Us Research Program, National Institutes of Health
Classification: Likely benign for Hypertrophic cardiomyopathy. Last evaluated: 2024-01-11. Review status: criteria provided, single submitter. Criteria: ACMG Guidelines, 2015. Collection method: clinical testing. Allele origin: germline. Inheritance: Autosomal dominant inheritance. Observed: 8 variant alleles, 8 heterozygotes.
Comment: This study involves interpretation of variants in research participants for the purpose of population health screening. Participant phenotype was not available at the time of variant classification. Additional details can be found in publication PMID: 35346344, PMCID: PMC8962531

Color Diagnostics, LLC DBA Color Health
Classification: Likely benign for Cardiomyopathy. Last evaluated: 2019-06-10. Review status: criteria provided, single submitter. Criteria: ACMG Guidelines, 2015. Collection method: clinical testing. Allele origin: germline.